The following is an entry in ClinVar:

NM_018082.6(POLR3B):c.1648C>T (p.Arg550Ter)

Gene: POLR3B (RNA polymerase III subunit B; plus strand). Cytogenetic location: 12q23.3.
Variant type: single nucleotide variant.
Coding change: c.1648C>T on transcript NM_018082.6 (MANE Select); coding-DNA position 1648, C replaced by T.
Protein change: p.Arg550Ter; replaces arginine 550 with a stop codon.
Molecular consequence: nonsense.
Genome position (GRCh38, 1-based): chr12:106,433,739, C>T. VCF-style: chr12-106433739-C-T. GRCh37 (hg19) VCF-style: chr12-106827517-C-T.
Other names: NM_018082.6(POLR3B):c.1648C>T; p.Arg550Ter; p.R550*; c.1474C>T, p.Arg492Ter (NM_001160708.2); short protein forms R550*, R492*.
Identifiers: ClinVar variation 31162 (VCV000031162.10), dbSNP rs267608688, ClinGen allele CA342787.

ClinVar aggregate classification (germline): Pathogenic/Likely pathogenic. Review status: criteria provided, multiple submitters, no conflicts (2 of 4 stars). 7 submissions from 7 submitters: Pathogenic (3); Likely pathogenic (1). 3 of the submissions do not count toward it. Last evaluated 2024-02-14.

Conditions:
POLR3B-related disorder. Also called: POLR3B-related condition; POLR3B-related disorders. Identifiers: MedGen CN378588, MONDO:0700277.
Leukodystrophy, hypomyelinating, 8, with or without oligodontia and/or hypogonadotropic hypogonadism. Also called: LEUKODYSTROPHY, HYPOMYELINATING, 8, WITH HYPODONTIA AND HYPOGONADOTROPIC HYPOGONADISM; Endosteal sclerosis-cerebellar hypoplasia syndrome; Hypomyelinating leukodystrophy 8 with or without oligodontia and-or hypogonadotropic hypogonadism. Identifiers: Orphanet 85186, Orphanet 88637, MedGen C3280644, MONDO:0013722, OMIM 614381.

Allele frequency attached by ClinVar (database versions not stated): TOPMed 0.00002; gnomAD 0.00003; gnomAD exomes 0.00001.
gnomAD v4.1: 22 of 1,613,128 alleles (0.0014%); highest among the groups gnomAD compares: East Asian, 0.0045%; no homozygotes.

Submissions (7):

Blueprint Genetics
Classification: Likely pathogenic for POLR3B-related disorders. Last evaluated: 2024-02-14. Review status: criteria provided, single submitter. Criteria: ACMG Guidelines, 2015. Collection method: clinical testing. Allele origin: germline. Affected: yes. Observed: 3 variant alleles.

GeneDx
Classification: Pathogenic. Last evaluated: 2022-04-22. Review status: criteria provided, single submitter. Criteria: GeneDx Variant Classification Process June 2021. Collection method: clinical testing. Allele origin: germline. Affected: yes.
Comment: Published functional studies demonstrate a damaging effect (cells expressing R550X failed to differentiate morphologically and phosphorylation/activation levels of molecules associated with mTOR signaling were decreased) (Sawaguchi et al., 2022); Nonsense variant predicted to result in protein truncation or nonsense mediated decay in a gene for which loss-of-function is a known mechanism of disease; Not observed at significant frequency in large population cohorts (gnomAD); This variant is associated with the following publications: (PMID: 22855961, 18851904, 22036171, 27535533, 35225888)

Baylor Genetics
Classification: Pathogenic for Leukodystrophy, hypomyelinating, 8, with or without oligodontia and/or hypogonadotropic hypogonadism. Last evaluated: 2022-03-21. Review status: criteria provided, single submitter. Criteria: ACMG Guidelines, 2015. Collection method: clinical testing. Allele origin: unknown.

Broad Center for Mendelian Genomics, Broad Institute of MIT and Harvard
Classification: Pathogenic for Leukodystrophy, hypomyelinating, 8, with or without oligodontia and/or hypogonadotropic hypogonadism. Last evaluated: 2022-02-24. Review status: criteria provided, single submitter. Criteria: ACMG Guidelines, 2015. Collection method: curation. Allele origin: germline. Inheritance: Autosomal recessive inheritance.
Comment: The p.Arg550Ter variant in POLR3B has been reported in 1 individual in the compound heterozygous state with 4H leukodystrophy (PMID: 22036171), and has been identified in 0.003% (1/34550) of Latino/Admixed American chromosomes by the Genome Aggregation Database (gnomAD; dbSNP ID: rs267608688). Although this variant has been seen in the general population in a heterozygous state, its frequency is low enough to be consistent with a recessive carrier frequency. This variant has also been reported in ClinVar (Variation ID#: 31162) and has been interpreted as pathogenic by GeneReviews and OMIM. In vitro functional studies provide some evidence that the p.Arg550Ter variant may impact protein function (PMID: 22036171). However, these types of assays may not accurately represent biological function. This nonsense variant leads to a premature termination codon at position 550, which is predicted to lead to a truncated or absent protein. Loss of function of the POLR3B gene is an established disease mechanism in autosomal recessive 4H leukodystrophy. In summary, this variant meets criteria to be classified as pathogenic for autosomal recessive4H leukodystrophy. ACMG/AMP Criteria applied: PVS1, PS3_moderate, PM2_supporting (Richards 2015).

Undiagnosed Diseases Network, NIH
Classification: Pathogenic for Leukodystrophy, hypomyelinating, 8, with or without oligodontia and/or hypogonadotropic hypogonadism. Last evaluated: 2022-04-01. Review status: no assertion criteria provided. Collection method: clinical testing. Allele origin: unknown. Affected: yes. Observed: 1 variant allele, 1 compound heterozygote. Not counted in ClinVar's aggregate classification.

OMIM
Classification: Pathogenic for LEUKODYSTROPHY, HYPOMYELINATING, 8, WITHOUT HYPODONTIA OR HYPOGONADOTROPIC HYPOGONADISM. Last evaluated: 2011-11-11. Review status: no assertion criteria provided. Collection method: literature only. Allele origin: germline. Not counted in ClinVar's aggregate classification.

GeneReviews
No classification provided. Condition: Leukodystrophy, hypomyelinating, 8, with or without oligodontia and/or hypogonadotropic hypogonadism. Review status: no classification provided. Collection method: literature only. Allele origin: germline. Not counted in ClinVar's aggregate classification.

Literature cited by the submitters: PubMed 22036171 (cited by 3 submitters); PubMed 18851904 (cited by OMIM); PubMed 22855961 (cited by GeneReviews).